The following is an entry in ClinVar:

ClinVar aggregate classification (germline): Uncertain significance. Review status: criteria provided, multiple submitters, no conflicts (2 of 4 stars). 5 submissions from 5 submitters: Uncertain significance (5). Last evaluated 2024-12-23.

Conditions:
Glycogen storage disease due to muscle beta-enolase deficiency (GSD13). Also called: ENOLASE 3 DEFICIENCY; ENOLASE-BETA DEFICIENCY; GSD XIII; Glycogen Storage Disease Type XIII. Identifiers: Orphanet 99849, MedGen C2752027, MONDO:0013046, OMIM 612932.
Inborn genetic diseases. Identifiers: MedGen C0950123, MeSH D030342.

Allele frequency attached by ClinVar (database versions not stated): ESP Exome Variant Server 0.00015; TOPMed 0.00022.
gnomAD v4.1: 347 of 1,614,020 alleles (0.021%); highest among the groups gnomAD compares: Non-Finnish European, 0.028%; no homozygotes.

Submissions (5):

Ambry Genetics
Classification: Uncertain significance for Inborn genetic diseases. Last evaluated: 2024-12-23. Review status: criteria provided, single submitter. Criteria: Ambry Variant Classification Scheme 2023. Collection method: clinical testing. Allele origin: germline.

Mayo Clinic Laboratories, Mayo Clinic
Classification: Uncertain significance. Last evaluated: 2023-10-09. Review status: criteria provided, single submitter. Criteria: ACMG Guidelines, 2015. Collection method: clinical testing. Allele origin: germline. Observed: 1 variant allele.

Labcorp Genetics (formerly Invitae), Labcorp
Classification: Uncertain significance for Glycogen storage disease due to muscle beta-enolase deficiency. Last evaluated: 2022-07-26. Review status: criteria provided, single submitter. Criteria: Invitae Variant Classification Sherloc (09022015). Collection method: clinical testing. Allele origin: germline.
Comment: This sequence change replaces threonine, which is neutral and polar, with lysine, which is basic and polar, at codon 26 of the ENO3 protein (p.Thr26Lys). This variant is present in population databases (rs199677913, gnomAD 0.03%). This variant has not been reported in the literature in individuals affected with ENO3-related conditions. ClinVar contains an entry for this variant (Variation ID: 808199). Algorithms developed to predict the effect of missense changes on protein structure and function are either unavailable or do not agree on the potential impact of this missense change (SIFT: "Deleterious"; PolyPhen-2: "Probably Damaging"; Align-GVGD: "Class C0"). In summary, the available evidence is currently insufficient to determine the role of this variant in disease. Therefore, it has been classified as a Variant of Uncertain Significance.

Illumina Laboratory Services, Illumina
Classification: Uncertain significance for Glycogen storage disease due to muscle beta-enolase deficiency. Last evaluated: 2018-01-13. Review status: criteria provided, single submitter. Criteria: ICSL Variant Classification Criteria 13 December 2019. Collection method: clinical testing. Allele origin: germline.

CeGaT Center for Human Genetics Tuebingen
Classification: Uncertain significance. Last evaluated: 2016-06-01. Review status: criteria provided, single submitter. Criteria: CeGaT Center For Human Genetics Tuebingen Variant Classification Criteria Version 2. Collection method: clinical testing. Allele origin: germline. Affected: yes. Observed: 1 variant allele.

NM_053013.4(ENO3):c.77C>A (p.Thr26Lys)

Gene: ENO3 (enolase 3; plus strand). Cytogenetic location: 17p13.2.
Variant type: single nucleotide variant.
Coding change: c.77C>A on transcript NM_053013.4 (MANE Select); coding-DNA position 77, C replaced by A.
Protein change: p.Thr26Lys; replaces threonine 26 with lysine.
Molecular consequence: missense variant.
Genome position (GRCh38, 1-based): chr17:4,951,906, C>A. VCF-style: chr17-4951906-C-A. GRCh37 (hg19) VCF-style: chr17-4855201-C-A.
Other names: p.Thr26Lys; c.77C>A, p.Thr26Lys (NM_001193503.2, NM_001374523.1, NM_001976.5); c.104C>A, p.Thr35Lys (NM_001374524.1); short protein forms T26K, T35K.
Identifiers: ClinVar variation 808199 (VCV000808199.51), dbSNP rs199677913, ClinGen allele CA8316080.